The following is an entry in ClinVar:

NM_007294.4(BRCA1):c.443A>G (p.Gln148Arg)

Gene: BRCA1 (BRCA1 DNA repair associated; minus strand). Cytogenetic location: 17q21.31.
Variant type: single nucleotide variant.
Coding change: c.443A>G on transcript NM_007294.4 (MANE Select); coding-DNA position 443, A replaced by G.
Protein change: p.Gln148Arg; replaces glutamine 148 with arginine.
Molecular consequence: missense variant.
Genome position (GRCh38, 1-based): chr17:43,099,879, T>C on the plus strand (A>G on the coding strand, the complement: BRCA1 is on the minus strand). VCF-style: chr17-43099879-T-C. GRCh37 (hg19) VCF-style: chr17-41251896-T-C.
Other names: c.443A>G, p.Gln148Arg (NM_001408403.1, NM_001408404.1, NM_001408406.1 and 97 more transcripts); c.434A>G, p.Gln145Arg (NM_001408408.1, NM_001407646.1, NM_001407647.1); c.365A>G, p.Gln122Arg (NM_001408409.1, NM_001408411.1, NM_001408412.1 and 12 more transcripts); c.302A>G, p.Gln101Arg (NM_001408410.1, NM_001408452.1, NM_001408453.1 and 61 more transcripts); c.233A>G, p.Gln78Arg (NM_001407879.1, NM_001407881.1, NM_001407882.1 and 37 more transcripts); c.62A>G, p.Gln21Arg (NM_001407959.1, NM_001407960.1, NM_001407963.1 and 3 more transcripts); short protein forms Q101R, Q148R, Q122R, Q145R, Q21R, Q78R.
Identifiers: ClinVar variation 1380053 (VCV001380053.7), dbSNP rs2154530020, ClinGen allele CA10601253.

ClinVar aggregate classification (germline): Uncertain significance (1 of 4 stars; one submission).

Conditions:
Hereditary breast ovarian cancer syndrome. Also called: Hereditary breast and ovarian cancer; Hereditary breast and/or ovarian cancer syndrome; Hereditary breast and ovarian cancer syndrome; Hereditary breast and ovarian cancer syndrome (HBOC); Breast and ovarian cancer; BRCA1- and BRCA2-Associated Hereditary Breast and Ovarian Cancer. Identifiers: Orphanet 145, MedGen C0677776, MeSH D061325, MONDO:0003582. Disease mechanism: loss of function.

Submission:

Labcorp Genetics (formerly Invitae), Labcorp
Classification: Uncertain significance for Hereditary breast ovarian cancer syndrome. Last evaluated: 2021-09-07. Review status: criteria provided, single submitter. Criteria: Invitae Variant Classification Sherloc (09022015). Collection method: clinical testing. Allele origin: germline.
Comment: In summary, the available evidence is currently insufficient to determine the role of this variant in disease. Therefore, it has been classified as a Variant of Uncertain Significance. Algorithms developed to predict the effect of missense changes on protein structure and function are either unavailable or do not agree on the potential impact of this missense change (SIFT: "Tolerated"; PolyPhen-2: "Possibly Damaging"; Align-GVGD: "Class C0"). This variant has not been reported in the literature in individuals affected with BRCA1-related conditions. This variant is not present in population databases (ExAC no frequency). This sequence change replaces glutamine with arginine at codon 148 of the BRCA1 protein (p.Gln148Arg). The glutamine residue is weakly conserved and there is a small physicochemical difference between glutamine and arginine.